The following is an entry in ClinVar:

ClinVar aggregate classification (germline): Uncertain significance (1 of 4 stars; one submission).

Conditions:
Hereditary cancer-predisposing syndrome. Also called: Neoplastic Syndromes, Hereditary; Tumor predisposition; Hereditary Cancer Syndrome; Hereditary neoplastic syndrome. Identifiers: Orphanet 140162, MedGen C0027672, MeSH D009386, MONDO:0015356.

Submission:

Ambry Genetics
Classification: Uncertain significance for Hereditary cancer-predisposing syndrome. Last evaluated: 2021-07-19. Review status: criteria provided, single submitter. Criteria: Ambry Variant Classification Scheme 2023. Collection method: clinical testing. Allele origin: germline.
Comment: The p.A129G variant (also known as c.386C>G), located in coding exon 5 of the PMS2 gene, results from a C to G substitution at nucleotide position 386. The alanine at codon 129 is replaced by glycine, an amino acid with similar properties. This amino acid position is not well conserved in available vertebrate species. In addition, this alteration is predicted to be tolerated by in silico analysis. Since supporting evidence is limited at this time, the clinical significance of this alteration remains unclear.

NM_000535.7(PMS2):c.386C>G (p.Ala129Gly)

Gene: PMS2 (PMS1 homolog 2, mismatch repair system component; minus strand). Cytogenetic location: 7p22.1.
Variant type: single nucleotide variant.
Coding change: c.386C>G on transcript NM_000535.7 (MANE Select); coding-DNA position 386, C replaced by G.
Protein change: p.Ala129Gly; replaces alanine 129 with glycine.
Molecular consequence: missense variant. On other transcripts: 5 prime UTR variant (8), non-coding transcript variant (1).
Genome position (GRCh38, 1-based): chr7:6,002,604, G>C on the plus strand (C>G on the coding strand, the complement: PMS2 is on the minus strand). VCF-style: chr7-6002604-G-C. GRCh37 (hg19) VCF-style: chr7-6042235-G-C.
Other names: c.-20C>G (NM_001018040.1, NM_001322003.2, NM_001322004.2 and 25 more transcripts); c.386C>G, p.Ala129Gly (NM_001322006.2, NM_001322014.2, NM_001406869.1 and 8 more transcripts); c.68C>G, p.Ala23Gly (NM_001322007.2, NM_001322008.2, NM_001406876.1 and 4 more transcripts); c.-499C>G (NM_001322011.2, NM_001322012.2); c.77C>G, p.Ala26Gly (NM_001322015.2, NM_001406875.1, NM_001406877.1 and 6 more transcripts); c.572C>G, p.Ala191Gly (NM_001406866.1); c.410C>G, p.Ala137Gly (NM_001406868.1); short protein forms A191G, A26G, A129G, A137G, A23G.
Identifiers: ClinVar variation 1735675 (VCV001735675.2), dbSNP rs752284380, ClinGen allele CA366744452.